The following is an entry in ClinVar:

NM_001243279.3(ACSF3):c.1465G>T (p.Val489Leu)

Gene: ACSF3 (acyl-CoA synthetase family member 3; plus strand). Cytogenetic location: 16q24.3.
Variant type: single nucleotide variant.
Coding change: c.1465G>T on transcript NM_001243279.3 (MANE Select); coding-DNA position 1465, G replaced by T.
Protein change: p.Val489Leu; replaces valine 489 with leucine.
Molecular consequence: missense variant. On other transcripts: non-coding transcript variant (4).
Genome position (GRCh38, 1-based): chr16:89,145,365, G>T. VCF-style: chr16-89145365-G-T. GRCh37 (hg19) VCF-style: chr16-89211773-G-T.
Other names: c.1465G>T, p.Val489Leu (NM_001127214.4, NM_174917.5); c.670G>T, p.Val224Leu (NM_001284316.2); short protein forms V224L, V489L.
Identifiers: ClinVar variation 955612 (VCV000955612.8), dbSNP rs377596983, ClinGen allele CA8238225.
Genomic context (GRCh38, chr16:89,145,365, plus strand): 5'-CGAGGCCGGACCTCAGTGGACATCATCAAGACTGGAGGCTACAAGGTCAGCGCCCTGGAG[G>T]TGGAGTGGCACCTGCTGGCCCACCCCAGCATCACAGGTGCGTGGCCGGACTTGGGCCAGG-3'
Protein context (NP_001230208.1, residues 479-499): TGGYKVSALE[Val489Leu]EWHLLAHPSI

ClinVar aggregate classification (germline): Uncertain significance (1 of 4 stars; one submission).

Conditions:
Combined malonic and methylmalonic acidemia. Identifiers: Orphanet 289504, MedGen C3280314, MONDO:0013661, OMIM 614265.

Allele frequency attached by ClinVar (database versions not stated): TOPMed 0.00002.
gnomAD v4.1: 7 of 1,614,212 alleles (0.00043%); highest among the groups gnomAD compares: Admixed American, 0.012%; no homozygotes.

Submission:

Labcorp Genetics (formerly Invitae), Labcorp
Classification: Uncertain significance for Combined malonic and methylmalonic acidemia. Last evaluated: 2025-01-06. Review status: criteria provided, single submitter. Criteria: Invitae Variant Classification Sherloc (09022015). Collection method: clinical testing. Allele origin: germline.
Comment: This sequence change replaces valine, which is neutral and non-polar, with leucine, which is neutral and non-polar, at codon 489 of the ACSF3 protein (p.Val489Leu). This variant is present in population databases (rs377596983, gnomAD 0.02%). This variant has not been reported in the literature in individuals affected with ACSF3-related conditions. ClinVar contains an entry for this variant (Variation ID: 955612). Invitae Evidence Modeling of protein sequence and biophysical properties (such as structural, functional, and spatial information, amino acid conservation, physicochemical variation, residue mobility, and thermodynamic stability) has been performed for this missense variant. However, the output from this modeling did not meet the statistical confidence thresholds required to predict the impact of this variant on ACSF3 protein function. In summary, the available evidence is currently insufficient to determine the role of this variant in disease. Therefore, it has been classified as a Variant of Uncertain Significance.